The following is an entry in ClinVar:

NM_001394062.1(MACF1):c.188A>G (p.Asn63Ser)

Gene: MACF1 (microtubule actin crosslinking factor 1; plus strand). Cytogenetic location: 1p34.3.
Variant type: single nucleotide variant.
Coding change: c.188A>G on transcript NM_001394062.1 (MANE Select); coding-DNA position 188, A replaced by G.
Protein change: p.Asn63Ser; replaces asparagine 63 with serine.
Molecular consequence: missense variant.
Genome position (GRCh38, 1-based): chr1:39,250,030, A>G. VCF-style: chr1-39250030-A-G. GRCh37 (hg19) VCF-style: chr1-39715702-A-G.
Other names: c.299A>G, p.Asn100Ser (NM_012090.5); c.299A>G (NM_012090.4); short protein forms N100S, N63S.
Identifiers: ClinVar variation 983274 (VCV000983274.13), dbSNP rs143548063, ClinGen allele CA779115.

ClinVar aggregate classification (germline): Conflicting classifications of pathogenicity. Review status: criteria provided, conflicting classifications (1 of 4 stars). 9 submissions from 9 submitters: Uncertain significance (6); Likely benign (3). Last evaluated 2026-06-09.

Conditions:
Spectraplakinopathy type I.
MACF1-related disorder. Also called: MACF1-related condition.
Lissencephaly 9 with complex brainstem malformation. Identifiers: Orphanet 572013, MedGen C5193029, MONDO:0032677, OMIM 618325.
Inborn genetic diseases. Identifiers: MedGen C0950123, MeSH D030342.

Allele frequency attached by ClinVar (database versions not stated): ESP Exome Variant Server 0.00015; 1000 Genomes Project 30x 0.00016; 1000 Genomes Project 0.00020; gnomAD 0.00021 and 0.00023; ExAC 0.00024; gnomAD exomes 0.00025 and 0.00027; TOPMed 0.00028.
gnomAD v4.1: 395 of 1,611,574 alleles (0.025%); highest among the groups gnomAD compares: Middle Eastern, 0.13%; no homozygotes.

Submissions (9):

PreventionGenetics, part of Exact Sciences
Classification: Likely benign for MACF1-related condition. Last evaluated: 2026-06-09. Review status: criteria provided, single submitter. Criteria: ACMG Guidelines, 2015. Collection method: clinical testing. Allele origin: germline.
Comment: This variant is classified as likely benign based on ACMG/AMP sequence variant interpretation guidelines (Richards et al. 2015 PMID: 25741868, with internal and published modifications).

Labcorp Genetics (formerly Invitae), Labcorp
Classification: Uncertain significance. Last evaluated: 2026-01-14. Review status: criteria provided, single submitter. Criteria: Invitae Variant Classification Sherloc (09022015). Collection method: clinical testing. Allele origin: germline.
Comment: This sequence change replaces asparagine, which is neutral and polar, with serine, which is neutral and polar, at codon 100 of the MACF1 protein (p.Asn100Ser). This variant is present in population databases (rs143548063, gnomAD 0.05%), and has an allele count higher than expected for a pathogenic variant. This missense change has been observed in individual(s) with clinical features of MACF1-related conditions (PMID: 33600046). ClinVar contains an entry for this variant (Variation ID: 983274). An algorithm developed to predict the effect of missense changes on protein structure and function (PolyPhen-2) suggests that this variant is likely to be disruptive. In summary, the available evidence is currently insufficient to determine the role of this variant in disease. Therefore, it has been classified as a Variant of Uncertain Significance.

Blueprint Genetics
Classification: Likely benign. Last evaluated: 2024-10-08. Review status: criteria provided, single submitter. Criteria: ACMG Guidelines, 2015. Collection method: clinical testing. Allele origin: germline.

Clinical Genetics Laboratory, Skane University Hospital Lund
Classification: Uncertain significance. Last evaluated: 2024-02-19. Review status: criteria provided, single submitter. Criteria: ACMG Guidelines, 2015. Collection method: clinical testing. Allele origin: germline. Affected: yes.

Genome-Nilou Lab
Classification: Uncertain significance for Lissencephaly 9 with complex brainstem malformation. Last evaluated: 2023-04-11. Review status: criteria provided, single submitter. Criteria: ACMG Guidelines, 2015. Collection method: clinical testing. Allele origin: germline. Affected: no.

Ambry Genetics
Classification: Likely benign for Inborn genetic diseases. Last evaluated: 2021-08-02. Review status: criteria provided, single submitter. Criteria: Ambry Variant Classification Scheme 2023. Collection method: clinical testing. Allele origin: germline.

Institute of Human Genetics, Cologne University
Classification: Uncertain significance for Spectraplakinopathy type I. Last evaluated: 2020-09-30. Review status: criteria provided, single submitter. Criteria: ACMG Guidelines, 2015. Collection method: research. Allele origin: paternal. Affected: yes.

GeneDx
Classification: Uncertain significance. Last evaluated: 2020-02-06. Review status: criteria provided, single submitter. Criteria: GeneDx Variant Classification Process June 2021. Collection method: clinical testing. Allele origin: germline. Affected: yes.
Comment: In silico analysis supports that this missense variant has a deleterious effect on protein structure/function; Variants in candidate genes are classified as variants of uncertain significance in accordance with ACMG guidelines (Richards et al., 2015); Has not been previously published as pathogenic or benign to our knowledge; This variant is associated with the following publications: (PMID: 33600046)

Breakthrough Genomics
Classification: Uncertain significance. Review status: criteria provided, single submitter. Criteria: ACMG Guidelines, 2015. Collection method: not provided. Allele origin: germline. Inheritance: Autosomal dominant inheritance. Affected: yes.

Literature cited by the submitters: PubMed 33600046 (cited by Labcorp Genetics (formerly Invitae), Labcorp).